The following is an entry in ClinVar:

NM_003560.4(PLA2G6):c.746T>C (p.Met249Thr)

Gene: PLA2G6 (phospholipase A2 group VI; minus strand). Cytogenetic location: 22q13.1.
Variant type: single nucleotide variant.
Coding change: c.746T>C on transcript NM_003560.4 (MANE Select); coding-DNA position 746, T replaced by C.
Protein change: p.Met249Thr; replaces methionine 249 with threonine.
Molecular consequence: missense variant. On other transcripts: intron variant (1).
Genome position (GRCh38, 1-based): chr22:38,140,033, A>G on the plus strand (T>C on the coding strand, the complement: PLA2G6 is on the minus strand). VCF-style: chr22-38140033-A-G. GRCh37 (hg19) VCF-style: chr22-38536040-A-G.
Other names: c.746T>C, p.Met249Thr (NM_001004426.3, NM_001199562.3, NM_001349864.2 and 2 more transcripts); c.212T>C, p.Met71Thr (NM_001349867.2, NM_001349869.2); c.119+3072T>C (NM_001349868.2); short protein forms M249T, M71T.
Identifiers: ClinVar variation 2421966 (VCV002421966.3), dbSNP rs772161279, ClinGen allele CA324207350.

ClinVar aggregate classification (germline): Uncertain significance (1 of 4 stars; one submission).

Conditions:
Infantile neuroaxonal dystrophy (NBIA2A). Also called: Infantile neuroaxonal dystrophy 1; NEURODEGENERATION WITH BRAIN IRON ACCUMULATION 2A; SEITELBERGER DISEASE. Identifiers: Orphanet 35069, MedGen C0270724, MONDO:0024457, OMIM 256600.

Allele frequency attached by ClinVar (database versions not stated): gnomAD exomes 0.00010.
gnomAD v4.1: 85 of 1,612,638 alleles (0.0053%); highest among the groups gnomAD compares: Non-Finnish European, 0.0071%; no homozygotes.

Submission:

Labcorp Genetics (formerly Invitae), Labcorp
Classification: Uncertain significance for Infantile neuroaxonal dystrophy. Last evaluated: 2022-01-17. Review status: criteria provided, single submitter. Criteria: Invitae Variant Classification Sherloc (09022015). Collection method: clinical testing. Allele origin: germline.
Comment: This sequence change replaces methionine, which is neutral and non-polar, with threonine, which is neutral and polar, at codon 249 of the PLA2G6 protein (p.Met249Thr). This variant is not present in population databases (gnomAD no frequency). This variant has not been reported in the literature in individuals affected with PLA2G6-related conditions. Advanced modeling of protein sequence and biophysical properties (such as structural, functional, and spatial information, amino acid conservation, physicochemical variation, residue mobility, and thermodynamic stability) performed at Invitae indicates that this missense variant is not expected to disrupt PLA2G6 protein function. In summary, the available evidence is currently insufficient to determine the role of this variant in disease. Therefore, it has been classified as a Variant of Uncertain Significance.